The following is an entry in ClinVar:

ClinVar aggregate classification (germline): Uncertain significance (1 of 4 stars; one submission).

Conditions:
Candidiasis, familial, 9 (CANDF9). Identifiers: Orphanet 1334, MedGen C4225324, MONDO:0014642, OMIM 616445.

Submission:

Labcorp Genetics (formerly Invitae), Labcorp
Classification: Uncertain significance for Candidiasis, familial, 9. Last evaluated: 2025-05-18. Review status: criteria provided, single submitter. Criteria: Invitae Variant Classification Sherloc (09022015). Collection method: clinical testing. Allele origin: germline.
Comment: This variant, c.2345_2346insGGCGGGACCAGG, results in the insertion of 4 amino acid(s) of the IL17RC protein (p.Pro785_Gly788dup), but otherwise preserves the integrity of the reading frame. This variant is not present in population databases (gnomAD no frequency). This variant has not been reported in the literature in individuals affected with IL17RC-related conditions. ClinVar contains an entry for this variant (Variation ID: 1374998). Experimental studies and prediction algorithms are not available or were not evaluated, and the functional significance of this variant is currently unknown. In summary, the available evidence is currently insufficient to determine the role of this variant in disease. Therefore, it has been classified as a Variant of Uncertain Significance.

NM_153460.4(IL17RC):c.2132_2133insGGCGGGACCAGG (p.710PGAG[3])

Genes: IL17RC (interleukin 17 receptor C; plus strand), LOC129936144 (ATAC-STARR-seq lymphoblastoid silent region 14051; plus strand). Cytogenetic location: 3p25.3.
Variant type: Insertion.
Coding change: c.2132_2133insGGCGGGACCAGG on transcript NM_153460.4 (MANE Select); coding-DNA positions 2132 to 2133, GGCGGGACCAGG inserted.
Protein change: p.710PGAG[3].
Molecular consequence: inframe insertion. On other transcripts: non-coding transcript variant (1).
Genome position: GRCh38 VCF-style: chr3-9933553-T-TGGGACCAGGGGC. GRCh37 (hg19) VCF-style: chr3-9975237-T-TGGGACCAGGGGC.
Other names: c.2093_2094insGGCGGGACCAGG, p.697PGAG[3] (NM_001203263.2); c.2042_2043insGGCGGGACCAGG, p.680PGAG[3] (NM_001203264.2); c.2036_2037insGGCGGGACCAGG, p.678PGAG[3] (NM_001203265.2); c.2054_2055insGGCGGGACCAGG, p.684PGAG[3] (NM_001367278.1); c.1973_1974insGGCGGGACCAGG, p.657PGAG[3] (NM_001367279.1); c.2048_2049insGGCGGGACCAGG, p.682PGAG[3] (NM_001367280.1); c.2087_2088insGGCGGGACCAGG, p.695PGAG[3] (NM_032732.6); c.2345_2346insGGCGGGACCAGG, p.781PGAG[3] (NM_153461.4).
Identifiers: ClinVar variation 1374998 (VCV001374998.6), dbSNP rs1458271651, ClinGen allele CA784183380.
Genomic context (GRCh38, chr3:9,933,553, plus strand): 5'-TTCAGCCAGCCCTGGATAGCTACTTCCATCCCCCGGGGACTCCCGCGCCGGGACGCGGGG[T>TGGGACCAGGGGC]GGGACCAGGCGCGGGACCTGGGGCGGGGGACGGGACTTAAATAAAGGCAGACGCTGTTTT-3'